The following is an entry in ClinVar:

ClinVar aggregate classification (germline): Likely pathogenic (1 of 4 stars; one submission).

Conditions:
Imerslund-Grasbeck syndrome. Also called: Megaloblastic anemia due to inborn errors of metabolism; ENTEROCYTE COBALAMIN MALABSORPTION; ENTEROCYTE INTRINSIC FACTOR RECEPTOR, DEFECT OF; PERNICIOUS ANEMIA, JUVENILE, DUE TO SELECTIVE INTESTINAL MALABSORPTION OF VITAMIN B12, WITH PROTEINURIA; Imerslund-Gräsbeck syndrome. Identifiers: Orphanet 35858, MedGen C4551825, MONDO:0009853.

Submission:

Labcorp Genetics (formerly Invitae), Labcorp
Classification: Likely pathogenic for Imerslund-Grasbeck syndrome. Last evaluated: 2024-10-17. Review status: criteria provided, single submitter. Criteria: Invitae Variant Classification Sherloc (09022015). Collection method: clinical testing. Allele origin: germline.
Comment: This sequence change affects a donor splice site in intron 65 of the CUBN gene. It is expected to disrupt RNA splicing. Variants that disrupt the donor or acceptor splice site typically lead to a loss of protein function (PMID: 16199547), and loss-of-function variants in CUBN are known to be pathogenic (PMID: 15024727, 22929189, 25349199, 31613795, 34979989). This variant is not present in population databases (gnomAD no frequency). This variant has not been reported in the literature in individuals affected with CUBN-related conditions. Algorithms developed to predict the effect of sequence changes on RNA splicing suggest that this variant may disrupt the consensus splice site. In summary, the currently available evidence indicates that the variant is pathogenic, but additional data are needed to prove that conclusively. Therefore, this variant has been classified as Likely Pathogenic.

Literature cited by the submitters: PubMed 16199547; PubMed 15024727; PubMed 22929189; PubMed 25349199; PubMed 31613795; PubMed 34979989.

NM_001081.4(CUBN):c.10528+1G>A

Gene: CUBN (cubilin; minus strand). Cytogenetic location: 10p13.
Variant type: single nucleotide variant.
Coding change: c.10528+1G>A on transcript NM_001081.4 (MANE Select); the canonical splice donor site of the intron after coding-DNA position 10528, G replaced by A.
Molecular consequence: splice donor variant.
Genome position (GRCh38, 1-based): chr10:16,831,251, C>T on the plus strand (G>A on the coding strand, the complement: CUBN is on the minus strand). VCF-style: chr10-16831251-C-T. GRCh37 (hg19) VCF-style: chr10-16873250-C-T.
Identifiers: ClinVar variation 3013947 (VCV003013947.3), dbSNP rs2491125172, ClinGen allele CA376120414.